The following is an entry in ClinVar:

NM_031935.3(HMCN1):c.5881C>T (p.Leu1961Phe)

Gene: HMCN1 (hemicentin 1; plus strand). Cytogenetic location: 1q31.1.
Variant type: single nucleotide variant.
Coding change: c.5881C>T on transcript NM_031935.3 (MANE Select); coding-DNA position 5881, C replaced by T.
Protein change: p.Leu1961Phe; replaces leucine 1961 with phenylalanine.
Molecular consequence: missense variant.
Genome position (GRCh38, 1-based): chr1:186,038,858, C>T. VCF-style: chr1-186038858-C-T. GRCh37 (hg19) VCF-style: chr1-186007990-C-T.
Other names: short protein forms L1961F.
Identifiers: ClinVar variation 874667 (VCV000874667.32), dbSNP rs140559544, ClinGen allele CA1292411.

ClinVar aggregate classification (germline): Benign/Likely benign. Review status: criteria provided, multiple submitters, no conflicts (2 of 4 stars). 6 submissions from 6 submitters: Benign (1); Likely benign (5). Last evaluated 2026-02-01.

Conditions:
Age related macular degeneration 1 (ARMD1). Also called: MACULOPATHY, AGE-RELATED, 1. Identifiers: MedGen C1864205, MONDO:0011285, OMIM 603075.

Allele frequency attached by ClinVar (database versions not stated): gnomAD 0.00042 and 0.00046; gnomAD exomes 0.00043 and 0.00087; TOPMed 0.00046; ExAC 0.00070; ESP Exome Variant Server 0.00092.
gnomAD v4.1: 751 of 1,604,488 alleles (0.047%); highest among the groups gnomAD compares: Middle Eastern, 0.23%; 7 homozygotes.

Submissions (6):

Labcorp Genetics (formerly Invitae), Labcorp
Classification: Benign. Last evaluated: 2026-02-01. Review status: criteria provided, single submitter. Criteria: Invitae Variant Classification Sherloc (09022015). Collection method: clinical testing. Allele origin: germline.

Blueprint Genetics
Classification: Likely benign. Last evaluated: 2024-11-22. Review status: criteria provided, single submitter. Criteria: ACMG Guidelines, 2015. Collection method: clinical testing. Allele origin: germline.

CeGaT Center for Human Genetics Tuebingen
Classification: Likely benign. Last evaluated: 2024-06-01. Review status: criteria provided, single submitter. Criteria: CeGaT Center For Human Genetics Tuebingen Variant Classification Criteria Version 2. Collection method: clinical testing. Allele origin: germline. Affected: yes. Observed: 1 variant allele.
Comment: HMCN1: BP4, BS1

Genome-Nilou Lab
Classification: Likely benign for Age related macular degeneration 1. Last evaluated: 2023-04-11. Review status: criteria provided, single submitter. Criteria: ACMG Guidelines, 2015. Collection method: clinical testing. Allele origin: germline. Affected: no.

Illumina Laboratory Services, Illumina
Classification: Likely benign for Age related macular degeneration 1. Last evaluated: 2018-01-13. Review status: criteria provided, single submitter. Criteria: ICSL Variant Classification Criteria 13 December 2019. Collection method: clinical testing. Allele origin: germline.
Comment: This variant was observed in the ICSL laboratory as part of a predisposition screen in an ostensibly healthy population. It had not been previously curated by ICSL or reported in the Human Gene Mutation Database (HGMD: prior to June 1st, 2018), and was therefore a candidate for classification through an automated scoring system. Utilizing variant allele frequency, disease prevalence and penetrance estimates, and inheritance mode, an automated score was calculated to assess if this variant is too frequent to cause the disease. Based on the score and internal cut-off values, a variant classified as likely benign is not then subjected to further curation. The score for this variant resulted in a classification of likely benign for this disease.

Breakthrough Genomics
Classification: Likely benign. Review status: criteria provided, single submitter. Criteria: ACMG Guidelines, 2015. Collection method: not provided. Allele origin: germline. Inheritance: Autosomal dominant inheritance. Affected: yes.